The following is an entry in ClinVar:

NM_019892.6(INPP5E):c.1897C>T (p.Gln633Ter)

Gene: INPP5E (inositol polyphosphate-5-phosphatase E; minus strand). Cytogenetic location: 9q34.3.
Variant type: single nucleotide variant.
Coding change: c.1897C>T on transcript NM_019892.6 (MANE Select); coding-DNA position 1897, C replaced by T.
Protein change: p.Gln633Ter; replaces glutamine 633 with a stop codon.
Molecular consequence: nonsense.
Genome position (GRCh38, 1-based): chr9:136,429,713, G>A on the plus strand (C>T on the coding strand, the complement: INPP5E is on the minus strand). VCF-style: chr9-136429713-G-A. GRCh37 (hg19) VCF-style: chr9-139324165-G-A.
Other names: c.1894C>T, p.Gln632Ter (NM_001318502.2); short protein forms Q632*, Q633*.
Identifiers: ClinVar variation 931210 (VCV000931210.3), dbSNP rs763184652, ClinGen allele CA375560068.
Genomic context (GRCh38, chr9:136,429,713, plus strand): 5'-GTGAGTCCTCGTTCAGCAAACTTCAAGAAACGGAGCAGATGGTGCTGGAGTTCTGACTCT[G>A]TAGTGCTTGCTGCCTCTGAATCTCCTTCGAAATCCGTCTTTTAATTCCTAGTAAGTACAG-3'

ClinVar aggregate classification (germline): Likely pathogenic (1 of 4 stars; one submission).

Conditions:
Joubert syndrome 1 (JBTS1). Also called: Cerebellooculorenal syndrome 1; CEREBELLOPARENCHYMAL DISORDER IV. Identifiers: MedGen C4551568, MONDO:0008944, OMIM 213300.

Submission:

Centre for Mendelian Genomics, University Medical Centre Ljubljana
Classification: Likely pathogenic for Joubert syndrome 1. Last evaluated: 2019-04-24. Review status: criteria provided, single submitter. Criteria: ACMG Guidelines, 2015. Collection method: clinical testing. Allele origin: unknown. Affected: yes.
Comment: This variant was classified as: Likely pathogenic. The following ACMG criteria were applied in classifying this variant: PVS1,PM2.